The following is an entry in ClinVar:

ClinVar aggregate classification (germline): Uncertain significance (1 of 4 stars; one submission).

Conditions:
Candidiasis, familial, 6 (CANDF6). Also called: Candidiasis, familial, 6, autosomal dominant. Identifiers: Orphanet 1334, MedGen C3151405, MONDO:0013503, OMIM 613956.

gnomAD v4.1: 22 of 1,614,034 alleles (0.0014%); highest among the groups gnomAD compares: East Asian, 0.0022%; no homozygotes.

Submission:

Labcorp Genetics (formerly Invitae), Labcorp
Classification: Uncertain significance for Candidiasis, familial, 6. Last evaluated: 2024-06-03. Review status: criteria provided, single submitter. Criteria: Invitae Variant Classification Sherloc (09022015). Collection method: clinical testing. Allele origin: germline.
Comment: This sequence change replaces proline, which is neutral and non-polar, with leucine, which is neutral and non-polar, at codon 48 of the IL17F protein (p.Pro48Leu). This variant is present in population databases (no rsID available, gnomAD 0.006%). This variant has not been reported in the literature in individuals affected with IL17F-related conditions. An algorithm developed to predict the effect of missense changes on protein structure and function (PolyPhen-2) suggests that this variant is likely to be disruptive. In summary, the available evidence is currently insufficient to determine the role of this variant in disease. Therefore, it has been classified as a Variant of Uncertain Significance.

NM_052872.4(IL17F):c.143C>T (p.Pro48Leu)

Gene: IL17F (interleukin 17F; minus strand). Cytogenetic location: 6p12.2.
Variant type: single nucleotide variant.
Coding change: c.143C>T on transcript NM_052872.4 (MANE Select); coding-DNA position 143, C replaced by T.
Protein change: p.Pro48Leu; replaces proline 48 with leucine.
Molecular consequence: missense variant.
Genome position (GRCh38, 1-based): chr6:52,238,841, G>A on the plus strand (C>T on the coding strand, the complement: IL17F is on the minus strand). VCF-style: chr6-52238841-G-A. GRCh37 (hg19) VCF-style: chr6-52103639-G-A.
Other names: short protein forms P48L.
Identifiers: ClinVar variation 3712288 (VCV003712288.2).